The following is an entry in ClinVar:

NM_000059.4(BRCA2):c.7807G>C (p.Ala2603Pro)

Gene: BRCA2 (BRCA2 DNA repair associated; plus strand). Cytogenetic location: 13q13.1.
Variant type: single nucleotide variant.
Coding change: c.7807G>C on transcript NM_000059.4 (MANE Select); coding-DNA position 7807, G replaced by C.
Protein change: p.Ala2603Pro; replaces alanine 2603 with proline.
Molecular consequence: missense variant.
Genome position (GRCh38, 1-based): chr13:32,362,524, G>C. VCF-style: chr13-32362524-G-C. GRCh37 (hg19) VCF-style: chr13-32936661-G-C.
Other names: short protein forms A2603P.
Identifiers: ClinVar variation 995947 (VCV000995947.1), dbSNP rs730881560, ClinGen allele CA387746924.

ClinVar aggregate classification (germline): Likely pathogenic (1 of 4 stars; one submission).

Conditions:
Hereditary breast ovarian cancer syndrome. Also called: Hereditary breast and ovarian cancer; Hereditary breast and ovarian cancer syndrome; Breast and ovarian cancer; BRCA1- and BRCA2-Associated Hereditary Breast and Ovarian Cancer; Hereditary breast and/or ovarian cancer syndrome; Hereditary breast and ovarian cancer syndrome (HBOC). Identifiers: Orphanet 145, MedGen C0677776, MeSH D061325, MONDO:0003582. Disease mechanism: loss of function.

Submission:

Cancer Variant Interpretation Group UK, Institute of Cancer Research, London
Classification: Likely pathogenic for Hereditary Breast and Ovarian Cancer. Last evaluated: 2018-10-10. Review status: criteria provided, single submitter. Criteria: ACMG Guidelines, 2015. Collection method: curation. Allele origin: germline.
Comment: Data used in classification: The frequency of this variant is 0/138,632 individuals (gnomAD) (PM2_mod). This variant is predicted deleterious on AlignGVGD (class: C25), SIFT (Deleterious), Polyphen2 HumVar (probably damaging) and CADD (32) (PP3-sup). The variant is in the DNA-binding domain of BRCA2 (PM1_sup). In the VarCall Bayesian statistical model for VUS classification using functional assay data (Guidugli et al Am J Hum Genet 2018; 102:233-248, Couch Lab), the variant has a probability of being deleterious of 0.995 and an overall classification of pathogenic (PS3_strong). Data not used in classification: There are conflicting in silico predictions of pathogenicity; AlignGVGD (class: C25), SIFT (Deleterious), Polyphen2 HumVar (probably damaging) and CADD (32). There are additional reports of this variant in UMD (1).

Literature cited by the submitters: PubMed 29394989.